The following is an entry in ClinVar:

ClinVar aggregate classification (germline): Pathogenic (1 of 4 stars; one submission).

Conditions:
Neurofibromatosis, type 1 (NF1). Also called: VON RECKLINGHAUSEN DISEASE; Peripheral type neurofibromatosis; NEUROFIBROMATOSIS, TYPE I, SOMATIC; Neurofibromatosis, type I. Identifiers: Orphanet 636, MedGen C0027831, MONDO:0018975, OMIM 162200. Disease mechanism: loss of function.

Submission:

Labcorp Genetics (formerly Invitae), Labcorp
Classification: Pathogenic for Neurofibromatosis, type 1. Last evaluated: 2020-02-04. Review status: criteria provided, single submitter. Criteria: Invitae Variant Classification Sherloc (09022015). Collection method: clinical testing. Allele origin: germline.
Comment: For these reasons, this variant has been classified as Pathogenic. Loss-of-function variants in NF1 are known to be pathogenic (PMID: 10712197, 23913538). This variant has not been reported in the literature in individuals with NF1-related conditions. This variant is not present in population databases (ExAC no frequency). This sequence change creates a premature translational stop signal (p.Ser1997Valfs*9) in the NF1 gene. It is expected to result in an absent or disrupted protein product.

Literature cited by the submitters: PubMed 10712197; PubMed 23913538.

NM_001042492.3(NF1):c.6051del (p.Ser2018fs)

Gene: NF1 (neurofibromin 1; plus strand). Cytogenetic location: 17q11.2.
Variant type: Deletion.
Coding change: c.6051del on transcript NM_001042492.3 (MANE Select); coding-DNA position 6051, one base deleted (C; older notation c.6051delC).
Protein change: p.Ser2018fs; shifts the reading frame from serine 2018.
Molecular consequence: frameshift variant.
Genome position (GRCh38, 1-based): chr17:31,336,377, C deleted; the last of 2 consecutive C bases (chr17:31,336,376-31,336,377); deleting either gives the same sequence. VCF-style (leftmost placement, unchanged base first): chr17-31336375-AC-A. GRCh37 (hg19) VCF-style: chr17-29663393-AC-A.
Other names: c.5988delC, p.Ser1997Valfs (NM_000267.4); short protein forms S1997fs, S2018fs.
Identifiers: ClinVar variation 1069752 (VCV001069752.5), dbSNP rs2151553285, ClinGen allele CA2499224181.
Genomic context (GRCh38, chr17:31,336,375, plus strand): 5'-TTTTCCTTCTTCAACTAGATTACAGATCTGCTTGATGTTGTACTAGACAGTTTCATCAAA[AC>A]CAGTGCAACAGGTGGCTTGGGATCAATAAAAGCTGAGGTGATGGCAGATACTGCTGTAGC-3'